The following is an entry in ClinVar:

NM_000760.4(CSF3R):c.1346G>T (p.Trp449Leu)

Gene: CSF3R (colony stimulating factor 3 receptor; minus strand). Cytogenetic location: 1p34.3.
Variant type: single nucleotide variant.
Coding change: c.1346G>T on transcript NM_000760.4 (MANE Select); coding-DNA position 1346, G replaced by T.
Protein change: p.Trp449Leu; replaces tryptophan 449 with leucine.
Molecular consequence: missense variant.
Genome position (GRCh38, 1-based): chr1:36,469,780, C>A on the plus strand (G>T on the coding strand, the complement: CSF3R is on the minus strand). VCF-style: chr1-36469780-C-A. GRCh37 (hg19) VCF-style: chr1-36935381-C-A.
Other names: c.1346G>T, p.Trp449Leu (NM_156039.3, NM_172313.3); short protein forms W449L.
Identifiers: ClinVar variation 2202138 (VCV002202138.4), dbSNP rs1340838836, ClinGen allele CA339420124.

ClinVar aggregate classification (germline): Uncertain significance (1 of 4 stars; one submission).

Conditions:
Autosomal recessive severe congenital neutropenia due to CSF3R deficiency. Also called: Neutropenia, severe congenital, 7, autosomal recessive. Identifiers: Orphanet 420702, MedGen C4310764, MONDO:0014865, OMIM 617014.

Allele frequency attached by ClinVar (database versions not stated): gnomAD exomes below 0.00001; TOPMed 0.00001.

Submission:

Labcorp Genetics (formerly Invitae), Labcorp
Classification: Uncertain significance for Autosomal recessive severe congenital neutropenia due to CSF3R deficiency. Last evaluated: 2023-09-26. Review status: criteria provided, single submitter. Criteria: Invitae Variant Classification Sherloc (09022015). Collection method: clinical testing. Allele origin: germline.
Comment: In summary, the available evidence is currently insufficient to determine the role of this variant in disease. Therefore, it has been classified as a Variant of Uncertain Significance. Advanced modeling of protein sequence and biophysical properties (such as structural, functional, and spatial information, amino acid conservation, physicochemical variation, residue mobility, and thermodynamic stability) performed at Invitae indicates that this missense variant is expected to disrupt CSF3R protein function. ClinVar contains an entry for this variant (Variation ID: 2202138). This variant has not been reported in the literature in individuals affected with CSF3R-related conditions. This variant is present in population databases (no rsID available, gnomAD 0.003%). This sequence change replaces tryptophan, which is neutral and slightly polar, with leucine, which is neutral and non-polar, at codon 449 of the CSF3R protein (p.Trp449Leu).